The following is an entry in ClinVar:

ClinVar aggregate classification (germline): Likely pathogenic (1 of 4 stars; one submission).

Conditions:
Charcot-Marie-Tooth disease type 4D. Also called: CHARCOT-MARIE-TOOTH DISEASE, DEMYELINATING, TYPE 4D; CHARCOT-MARIE-TOOTH DISEASE, DEMYELINATING, AUTOSOMAL RECESSIVE, TYPE 4D; NEUROPATHY, HEREDITARY MOTOR AND SENSORY, LOM TYPE; Charcot-Marie-Tooth Neuropathy Type 4D. Identifiers: Orphanet 99950, MedGen C1832334, MONDO:0011085, OMIM 601455.

Submission:

Natera, Inc.
Classification: Likely pathogenic for Charcot-Marie-Tooth disease type 4D. Last evaluated: 2025-09-05. Review status: criteria provided, single submitter. Criteria: Natera Variant Classification Schema (03/2026). Collection method: clinical testing. Allele origin: germline.
Comment: The c.588del variant in NDRG1 is a frameshift variant predicted to shift the reading frame beginning at codon 196 and leads to a stop codon 21 codons downstream. This variant is expected to result in nonsense mediated decay, truncation, or a dysfunctional protein product. This variant is rare in the general population with a frequency below the threshold expected for the associated phenotype(s). Given the available evidence, this variant is classified as Likely Pathogenic.

NM_006096.4(NDRG1):c.588del (p.Phe196fs)

Gene: NDRG1 (N-myc downstream regulated 1; minus strand). Cytogenetic location: 8q24.22.
Variant type: Deletion.
Coding change: c.588del on transcript NM_006096.4 (MANE Select); coding-DNA position 588, one base deleted (T; older notation c.588delT).
Protein change: p.Phe196fs; shifts the reading frame from phenylalanine 196.
Molecular consequence: frameshift variant.
Genome position (GRCh38, 1-based): chr8:133,254,545, A deleted on the plus strand (T on the coding strand, the reverse complement: NDRG1 is on the minus strand); the first of 5 consecutive A bases (chr8:133,254,545-133,254,549); deleting any one gives the same sequence. VCF-style (leftmost placement, unchanged base first): chr8-133254544-CA-C. GRCh37 (hg19) VCF-style: chr8-134266787-CA-C.
Other names: c.588del, p.Phe196fs (NM_001135242.2, NM_001374845.1, NM_001374846.1); c.390del, p.Phe130fs (NM_001258432.2, NM_001374847.1); c.345del, p.Phe115fs (NM_001258433.2); c.639del, p.Phe213fs (NM_001374844.1); c.584delT, p.Phe196Leufs (NM_006096.3); short protein forms F115fs, F130fs, F196fs, F213fs.
Identifiers: ClinVar variation 4815494 (VCV004815494.1).